The following is an entry in ClinVar:

ClinVar aggregate classification (germline): Uncertain significance (1 of 4 stars; one submission).

Allele frequency attached by ClinVar (database versions not stated): gnomAD exomes below 0.00001.
gnomAD v4.1: 2 of 1,614,204 alleles (0.00012%); highest among the groups gnomAD compares: Non-Finnish European, 0.00017%; no homozygotes.

Submission:

GeneDx
Classification: Uncertain significance. Last evaluated: 2017-09-29. Review status: criteria provided, single submitter. Criteria: GeneDx Variant Classification (06012015). Collection method: clinical testing. Allele origin: germline. Affected: yes.
Comment: The V527I variant in the KANK1 gene has not been reported previously as a pathogenic variant, nor as a benign variant, to our knowledge. The V527I variant is not observed at a significant frequency in large population cohorts (Lek et al., 2016). The V527I variant is a conservative amino acid substitution, which is not likely to impact secondary protein structure as these residues share similar properties. This substitution occurs at a position where amino acids with similar properties to Valine are tolerated across species. In silico analysis is inconsistent in its predictions as to whether or not the variant is damaging to the protein structure/function. We interpret V527I as a variant of uncertain significance.

NM_015158.5(KANK1):c.1579G>A (p.Val527Ile)

Gene: KANK1 (KN motif and ankyrin repeat domains 1; plus strand). Cytogenetic location: 9p24.3.
Variant type: single nucleotide variant.
Coding change: c.1579G>A on transcript NM_015158.5 (MANE Select); coding-DNA position 1579, G replaced by A.
Protein change: p.Val527Ile; replaces valine 527 with isoleucine.
Molecular consequence: missense variant. On other transcripts: non-coding transcript variant (1).
Genome position (GRCh38, 1-based): chr9:712,345, G>A. VCF-style: chr9-712345-G-A. GRCh37 (hg19) VCF-style: chr9-712345-G-A.
Other names: c.1579G>A, p.Val527Ile (NM_001256876.3, NM_001256877.3, NM_001354331.2 and 2 more transcripts); c.1105G>A, p.Val369Ile (NM_001354333.2, NM_001354335.2, NM_001354336.2 and 9 more transcripts); short protein forms V527I, V369I.
Identifiers: ClinVar variation 452378 (VCV000452378.2), dbSNP rs1304934710, ClinGen allele CA372748523.